The following is an entry in ClinVar:

NM_001375524.1(TRRAP):c.7286A>G (p.Asn2429Ser)

Gene: TRRAP (transformation/transcription domain associated protein; plus strand). Cytogenetic location: 7q22.1.
Variant type: single nucleotide variant.
Coding change: c.7286A>G on transcript NM_001375524.1 (MANE Select); coding-DNA position 7286, A replaced by G.
Protein change: p.Asn2429Ser; replaces asparagine 2429 with serine.
Molecular consequence: missense variant.
Genome position (GRCh38, 1-based): chr7:98,967,150, A>G. VCF-style: chr7-98967150-A-G. GRCh37 (hg19) VCF-style: chr7-98564773-A-G.
Other names: c.7265A>G, p.Asn2422Ser (NM_001244580.2); c.7211A>G, p.Asn2404Ser (NM_003496.4); short protein forms N2429S, N2404S, N2422S.
Identifiers: ClinVar variation 1931336 (VCV001931336.5), dbSNP rs2484914910, ClinGen allele CA368292457.
Genomic context (GRCh38, chr7:98,967,150, plus strand): 5'-ACATAGAAAAACGCTTTCCGGAAGACCTTGAATTAAATGCCCAGTTTTTAGATCTTGTTA[A>G]CTATGTCTACAGGTAATTACAGCAATTAATCAAGTACTACATATATTGGTCCTTAATGTG-3'
Protein context (NP_001362453.1, residues 2419-2439): ELNAQFLDLV[Asn2429Ser]YVYRDETLSG

ClinVar aggregate classification (germline): Uncertain significance (1 of 4 stars; one submission).

gnomAD v4.1: 2 of 1,613,946 alleles (0.00012%); no homozygotes.

Submission:

Labcorp Genetics (formerly Invitae), Labcorp
Classification: Uncertain significance. Last evaluated: 2022-04-09. Review status: criteria provided, single submitter. Criteria: Invitae Variant Classification Sherloc (09022015). Collection method: clinical testing. Allele origin: germline.
Comment: This variant has not been reported in the literature in individuals affected with TRRAP-related conditions. In summary, the available evidence is currently insufficient to determine the role of this variant in disease. Therefore, it has been classified as a Variant of Uncertain Significance. Algorithms developed to predict the effect of missense changes on protein structure and function are either unavailable or do not agree on the potential impact of this missense change (SIFT: "Deleterious"; PolyPhen-2: "Benign"; Align-GVGD: "Class C0"). This variant is not present in population databases (gnomAD no frequency). This sequence change replaces asparagine, which is neutral and polar, with serine, which is neutral and polar, at codon 2404 of the TRRAP protein (p.Asn2404Ser).